The following is an entry in ClinVar:

ClinVar aggregate classification (germline): Uncertain significance (1 of 4 stars; one submission).

Conditions:
Progressive sclerosing poliodystrophy (MTDPS4A). Also called: ALPERS PROGRESSIVE INFANTILE POLIODYSTROPHY; ALPERS DIFFUSE DEGENERATION OF CEREBRAL GRAY MATTER WITH HEPATIC CIRRHOSIS; Alpers-Huttenlocher Syndrome; Mitochondrial DNA depletion syndrome 4A (Alpers type); Alpers-Huttenlocher Syndrome (AHS); NEURONAL DEGENERATION OF CHILDHOOD WITH LIVER DISEASE, PROGRESSIVE. Identifiers: Orphanet 726, MedGen C0205710, MONDO:0008758, OMIM 203700.

Allele frequency attached by ClinVar (database versions not stated): gnomAD exomes below 0.00001.
gnomAD v4.1: 1 of 1,614,076 alleles (0.000062%); highest among the groups gnomAD compares: Non-Finnish European, 0.000085%; no homozygotes.

Submission:

Labcorp Genetics (formerly Invitae), Labcorp
Classification: Uncertain significance for Progressive sclerosing poliodystrophy. Last evaluated: 2018-11-14. Review status: criteria provided, single submitter. Criteria: Invitae Variant Classification Sherloc (09022015). Collection method: clinical testing. Allele origin: germline.
Comment: In summary, the available evidence is currently insufficient to determine the role of this variant in disease. Therefore, it has been classified as a Variant of Uncertain Significance. Algorithms developed to predict the effect of missense changes on protein structure and function (SIFT, PolyPhen-2, Align-GVGD) all suggest that this variant is likely to be tolerated, but these predictions have not been confirmed by published functional studies and their clinical significance is uncertain. This variant has not been reported in the literature in individuals with POLG-related disease. This variant is not present in population databases (ExAC no frequency). This sequence change replaces lysine with arginine at codon 551 of the POLG protein (p.Lys551Arg). The lysine residue is weakly conserved and there is a small physicochemical difference between lysine and arginine.

NM_002693.3(POLG):c.1652A>G (p.Lys551Arg)

Gene: POLG (DNA polymerase gamma, catalytic subunit; minus strand). Cytogenetic location: 15q26.1.
Variant type: single nucleotide variant.
Coding change: c.1652A>G on transcript NM_002693.3 (MANE Select); coding-DNA position 1652, A replaced by G.
Protein change: p.Lys551Arg; replaces lysine 551 with arginine.
Molecular consequence: missense variant.
Genome position (GRCh38, 1-based): chr15:89,326,672, T>C on the plus strand (A>G on the coding strand, the complement: POLG is on the minus strand). VCF-style: chr15-89326672-T-C. GRCh37 (hg19) VCF-style: chr15-89869903-T-C.
Other names: c.1652A>G, p.Lys551Arg (NM_001126131.2); short protein forms K551R.
Identifiers: ClinVar variation 657514 (VCV000657514.9), dbSNP rs1596357794, ClinGen allele CA393760540.
Genomic context (GRCh38, chr15:89,326,672, plus strand): 5'-CCAGGGTGTCCAGGAAGGTGCTGGGGCCGCTTGGGCAGGAGCTCTGTGGTCCCCTTCAGC[T>C]TCTGCAAGCAGGCGCGGGCCATGACATCTTGTTGAAACTCCTCCTCCTCACTGCAGGGGC-3'
Protein context (NP_002684.1, residues 541-561): QDVMARACLQ[Lys551Arg]LKGTTELLPK